The following is an entry in ClinVar:

ClinVar aggregate classification (germline): Pathogenic/Likely pathogenic. Review status: criteria provided, multiple submitters, no conflicts (2 of 4 stars). 4 submissions from 4 submitters: Pathogenic (1); Likely pathogenic (3). Last evaluated 2024-03-14.

Conditions:
Ataxia-telangiectasia syndrome (AT). Also called: Cerebello-oculocutaneous telangiectasia; Immunodeficiency with ataxia telangiectasia; Ataxia-telangiectasia, complementation group E; Ataxia-telangiectasia, complementation group D; AT, COMPLEMENTATION GROUP C; ATAXIA-TELANGIECTASIA, COMPLEMENTATION GROUP A. Identifiers: Orphanet 100, MedGen C0004135, MONDO:0008840, OMIM 208900.
Familial cancer of breast. Also called: Hereditary breast cancer; hereditary breast carcinoma; BREAST CANCER, FAMILIAL. Identifiers: Orphanet 227535, MedGen C0346153, MONDO:0016419, OMIM 114480. Disease mechanism: loss of function.
Hereditary cancer-predisposing syndrome. Also called: Hereditary Cancer Syndrome; Neoplastic Syndromes, Hereditary; Hereditary neoplastic syndrome; Tumor predisposition. Identifiers: Orphanet 140162, MedGen C0027672, MeSH D009386, MONDO:0015356.

Submissions (4):

Baylor Genetics
Classification: Likely pathogenic for Familial cancer of breast. Last evaluated: 2024-03-14. Review status: criteria provided, single submitter. Criteria: ACMG Guidelines, 2015. Collection method: clinical testing. Allele origin: unknown.

Natera, Inc.
Classification: Pathogenic for Ataxia-telangiectasia. Last evaluated: 2024-02-28. Review status: criteria provided, single submitter. Criteria: Natera Variant Classification Schema (03/2026). Collection method: clinical testing. Allele origin: germline.
Comment: The c.3154-1G>T variant in ATM is a canonical splice acceptor site variant predicted to affect pre-mRNA splicing, which may result in an abnormal transcript and altered protein product. This variant is expected to result in nonsense mediated decay, truncation, or a dysfunctional protein product. This variant is rare in the general population with a frequency below the threshold expected for the associated phenotype(s). Another variant at this same site results in an alteration predicted to cause a similar molecular effect has been observed in individual(s) with the associated phenotype. Given the available evidence, this variant is classified as Pathogenic.

Myriad Genetics, Inc.
Classification: Likely pathogenic for Familial cancer of breast. Last evaluated: 2023-10-11. Review status: criteria provided, single submitter. Criteria: Myriad Autosomal Dominant, Autosomal Recessive and X-Linked Classification Criteria (2023). Collection method: clinical testing. Allele origin: unknown.
Comment: This variant is considered likely pathogenic. This variant occurs within a consensus splice junction and is predicted to result in abnormal mRNA splicing of either an out-of-frame exon or an in-frame exon necessary for protein stability and/or normal function.

Ambry Genetics
Classification: Likely pathogenic for Hereditary cancer-predisposing syndrome. Last evaluated: 2022-08-04. Review status: criteria provided, single submitter. Criteria: Ambry Variant Classification Scheme 2023. Collection method: clinical testing. Allele origin: germline.
Comment: The c.3154-1G>T intronic variant results from a G to T substitution one nucleotide upstream from coding exon 21 of the ATM gene. This variant is considered to be rare based on population cohorts in the Genome Aggregation Database (gnomAD). This nucleotide position is highly conserved in available vertebrate species. In silico splice site analysis predicts that this alteration will weaken the native splice acceptor site and will result in the creation or strengthening of a novel splice acceptor site. Alterations that disrupt the canonical splice site are expected to cause aberrant splicing, resulting in an abnormal protein or a transcript that is subject to nonsense-mediated mRNA decay. RNA studies have demonstrated that this alteration results in abnormal splicing in the set of samples tested (Ambry internal data). As such, this alteration is classified as likely pathogenic.

NM_000051.4(ATM):c.3154-1G>T

Gene: ATM (ATM serine/threonine kinase; plus strand). Cytogenetic location: 11q22.3.
Variant type: single nucleotide variant.
Coding change: c.3154-1G>T on transcript NM_000051.4 (MANE Select); the canonical splice acceptor site of the intron before coding-DNA position 3154, G replaced by T.
Molecular consequence: splice acceptor variant.
Genome position (GRCh38, 1-based): chr11:108,272,721, G>T. VCF-style: chr11-108272721-G-T. GRCh37 (hg19) VCF-style: chr11-108143448-G-T.
Other names: c.3154-1G>T (NM_001351834.2).
Identifiers: ClinVar variation 823009 (VCV000823009.8), dbSNP rs1555085973, ClinGen allele CA382515469.
Genomic context (GRCh38, chr11:108,272,721, plus strand): 5'-TTTGTTTGTTAATGAGTAATTTTTCTCTATTTCATATTTAACCACAGTTCTTTTCCCGTA[G>T]GCTGATCCTTATTCAAAATGGGCCATTCTTAATGTAATGGGAAAAGACTTTCCTGTAAAT-3'